The following is an entry in ClinVar:

ClinVar aggregate classification (germline): Uncertain significance (1 of 4 stars; one submission).

Conditions:
Cardiomyopathy (CMYO). Also called: Cardiomyopathies. Identifiers: Orphanet 167848, MedGen C0878544, MONDO:0004994, HP:0001638. Inheritance: Various modes of inheritance.

Allele frequency attached by ClinVar (database versions not stated): gnomAD exomes below 0.00001 and 0.00001; ExAC 0.00001.
gnomAD v4.1: 4 of 1,614,054 alleles (0.00025%); highest among the groups gnomAD compares: East Asian, 0.0089%; no homozygotes.

Submission:

Color Diagnostics, LLC DBA Color Health
Classification: Uncertain significance for Cardiomyopathy. Last evaluated: 2023-12-05. Review status: criteria provided, single submitter. Criteria: ACMG Guidelines, 2015. Collection method: clinical testing. Allele origin: germline.
Comment: This missense variant replaces glutamic acid with glutamine at codon 1401 of the DSP protein. Computational prediction tools and conservation analyses are inconclusive regarding the impact of this variant on the protein function. Computational splicing tools suggest that this variant may not impact RNA splicing. To our knowledge, functional assays have not been performed for this variant nor has this variant been reported in individuals affected with cardiovascular disorders in the literature. This variant has been identified in 1/251236 chromosomes in the general population by the Genome Aggregation Database (gnomAD). Available evidence is insufficient to determine the role of this variant in disease conclusively. Therefore, this variant is classified as a Variant of Uncertain Significance.

NM_004415.4(DSP):c.4201G>C (p.Glu1401Gln)

Gene: DSP (desmoplakin; plus strand). Cytogenetic location: 6p24.3.
Variant type: single nucleotide variant.
Coding change: c.4201G>C on transcript NM_004415.4 (MANE Select); coding-DNA position 4201, G replaced by C.
Protein change: p.Glu1401Gln; replaces glutamic acid 1401 with glutamine.
Molecular consequence: missense variant. On other transcripts: intron variant (2).
Genome position (GRCh38, 1-based): chr6:7,580,391, G>C. VCF-style: chr6-7580391-G-C. GRCh37 (hg19) VCF-style: chr6-7580624-G-C.
Other names: c.4050+151G>C (NM_001319034.2); c.3582+619G>C (NM_001008844.3); short protein forms E1401Q.
Identifiers: ClinVar variation 921798 (VCV000921798.5), dbSNP rs774065012, ClinGen allele CA040521.